The following is an entry in ClinVar:

ClinVar aggregate classification (germline): Uncertain significance (1 of 4 stars; one submission).

Conditions:
Inborn genetic diseases. Identifiers: MedGen C0950123, MeSH D030342.

Submission:

Ambry Genetics
Classification: Uncertain significance for Inborn genetic diseases. Last evaluated: 2026-04-03. Review status: criteria provided, single submitter. Criteria: Ambry Variant Classification Scheme 2023. Collection method: clinical testing. Allele origin: germline.
Comment: The p.P1114S variant (also known as c.3340C>T), located in coding exon 1 of the SAMD9 gene, results from a C to T substitution at nucleotide position 3340. The proline at codon 1114 is replaced by serine, an amino acid with similar properties. This amino acid position is conserved. In addition, this alteration is predicted to be tolerated by in silico analysis. Based on the available evidence, the clinical significance of this variant remains unclear.

NM_017654.4(SAMD9):c.3340C>T (p.Pro1114Ser)

Gene: SAMD9 (sterile alpha motif domain containing 9; minus strand). Cytogenetic location: 7q21.2.
Variant type: single nucleotide variant.
Coding change: c.3340C>T on transcript NM_017654.4 (MANE Select); coding-DNA position 3340, C replaced by T.
Protein change: p.Pro1114Ser; replaces proline 1114 with serine.
Molecular consequence: missense variant.
Genome position (GRCh38, 1-based): chr7:93,102,758, G>A on the plus strand (C>T on the coding strand, the complement: SAMD9 is on the minus strand). VCF-style: chr7-93102758-G-A. GRCh37 (hg19) VCF-style: chr7-92732071-G-A.
Other names: c.3340C>T, p.Pro1114Ser (NM_001193307.2); short protein forms P1114S.
Identifiers: ClinVar variation 4863793 (VCV004863793.1).